The following is an entry in ClinVar:

NM_024529.5(CDC73):c.1446A>C (p.Glu482Asp)

Gene: CDC73 (cell division cycle 73; plus strand). Cytogenetic location: 1q31.2.
Variant type: single nucleotide variant.
Coding change: c.1446A>C on transcript NM_024529.5 (MANE Select); coding-DNA position 1446, A replaced by C.
Protein change: p.Glu482Asp; replaces glutamic acid 482 with aspartic acid.
Molecular consequence: missense variant.
Genome position (GRCh38, 1-based): chr1:193,249,758, A>C. VCF-style: chr1-193249758-A-C. GRCh37 (hg19) VCF-style: chr1-193218888-A-C.
Other names: short protein forms E482D.
Identifiers: ClinVar variation 3660648 (VCV003660648.2).

ClinVar aggregate classification (germline): Uncertain significance (1 of 4 stars; one submission).

Conditions:
Parathyroid carcinoma (PRTC). Also called: CDC73-Related Parathyroid Carcinoma; Parathyroid gland carcinoma. Identifiers: Orphanet 143, MedGen C0687150, MONDO:0012004, OMIM 608266, HP:0006780.

Submission:

Labcorp Genetics (formerly Invitae), Labcorp
Classification: Uncertain significance for Parathyroid carcinoma. Last evaluated: 2024-07-26. Review status: criteria provided, single submitter. Criteria: Invitae Variant Classification Sherloc (09022015). Collection method: clinical testing. Allele origin: germline.
Comment: This sequence change replaces glutamic acid, which is acidic and polar, with aspartic acid, which is acidic and polar, at codon 482 of the CDC73 protein (p.Glu482Asp). This variant is not present in population databases (gnomAD no frequency). This variant has not been reported in the literature in individuals affected with CDC73-related conditions. Advanced modeling of protein sequence and biophysical properties (such as structural, functional, and spatial information, amino acid conservation, physicochemical variation, residue mobility, and thermodynamic stability) performed at Invitae indicates that this missense variant is not expected to disrupt CDC73 protein function with a negative predictive value of 80%. In summary, the available evidence is currently insufficient to determine the role of this variant in disease. Therefore, it has been classified as a Variant of Uncertain Significance.